The following is an entry in ClinVar:

ClinVar aggregate classification (germline): Uncertain significance (0 of 4 stars; one submission).

Conditions:
ARX-related disorder. Also called: ARX-related condition; ARX-Related Disorders. Identifiers: MedGen CN378769.

gnomAD v4.1: 2 of 1,147,444 alleles (0.00017%); highest among the groups gnomAD compares: South Asian, 0.0039%; no homozygotes.

Submission:

PreventionGenetics, part of Exact Sciences
Classification: Uncertain significance for ARX-related condition. Last evaluated: 2024-06-05. Review status: no assertion criteria provided. Collection method: clinical testing. Allele origin: germline.
Comment: The ARX c.647C>G variant is predicted to result in the amino acid substitution p.Ala216Gly. To our knowledge, this variant has not been reported in the literature or in a large population database, indicating this variant is rare. At this time, the clinical significance of this variant is uncertain due to the absence of conclusive functional and genetic evidence.

NM_139058.3(ARX):c.647C>G (p.Ala216Gly)

Gene: ARX (aristaless related homeobox; minus strand). Cytogenetic location: Xp21.3.
Variant type: single nucleotide variant.
Coding change: c.647C>G on transcript NM_139058.3 (MANE Select); coding-DNA position 647, C replaced by G.
Protein change: p.Ala216Gly; replaces alanine 216 with glycine.
Molecular consequence: missense variant.
Genome position (GRCh38, 1-based): chrX:25,013,348, G>C on the plus strand (C>G on the coding strand, the complement: ARX is on the minus strand). VCF-style: chrX-25013348-G-C. GRCh37 (hg19) VCF-style: chrX-25031465-G-C.
Other names: short protein forms A216G.
Identifiers: ClinVar variation 3344720 (VCV003344720.1).